The following is an entry in ClinVar:

ClinVar aggregate classification (germline): Uncertain significance. Review status: criteria provided, multiple submitters, no conflicts (2 of 4 stars). 3 submissions from 3 submitters: Uncertain significance (3). Last evaluated 2025-03-17.

Conditions:
Inborn genetic diseases. Identifiers: MedGen C0950123, MeSH D030342.
Lethal multiple pterygium syndrome (LMPS). Identifiers: Orphanet 33108, MedGen C1854678, MONDO:0009668, OMIM 253290.

Allele frequency attached by ClinVar (database versions not stated): ExAC 0.00001; gnomAD 0.00005; TOPMed 0.00005; ESP Exome Variant Server 0.00008.

Submissions (3):

Ambry Genetics
Classification: Uncertain significance for Inborn genetic diseases. Last evaluated: 2025-03-17. Review status: criteria provided, single submitter. Criteria: Ambry Variant Classification Scheme 2023. Collection method: clinical testing. Allele origin: germline.

Labcorp Genetics (formerly Invitae), Labcorp
Classification: Uncertain significance for Lethal multiple pterygium syndrome. Last evaluated: 2023-10-20. Review status: criteria provided, single submitter. Criteria: Invitae Variant Classification Sherloc (09022015). Collection method: clinical testing. Allele origin: germline.
Comment: This sequence change replaces arginine, which is basic and polar, with tryptophan, which is neutral and slightly polar, at codon 87 of the CHRND protein (p.Arg87Trp). This variant is present in population databases (rs375883569, gnomAD 0.006%). This variant has not been reported in the literature in individuals affected with CHRND-related conditions. ClinVar contains an entry for this variant (Variation ID: 1803670). Advanced modeling of protein sequence and biophysical properties (such as structural, functional, and spatial information, amino acid conservation, physicochemical variation, residue mobility, and thermodynamic stability) performed at Invitae indicates that this missense variant is expected to disrupt CHRND protein function. In summary, the available evidence is currently insufficient to determine the role of this variant in disease. Therefore, it has been classified as a Variant of Uncertain Significance.

GeneDx
Classification: Uncertain significance. Last evaluated: 2022-05-16. Review status: criteria provided, single submitter. Criteria: GeneDx Variant Classification Process June 2021. Collection method: clinical testing. Allele origin: germline. Affected: yes.
Comment: In silico analysis supports that this missense variant has a deleterious effect on protein structure/function; Not observed at significant frequency in large population cohorts (gnomAD); Has not been previously published as pathogenic or benign to our knowledge

NM_000751.3(CHRND):c.259C>T (p.Arg87Trp)

Gene: CHRND (cholinergic receptor nicotinic delta subunit; plus strand). Cytogenetic location: 2q37.1.
Variant type: single nucleotide variant.
Coding change: c.259C>T on transcript NM_000751.3 (MANE Select); coding-DNA position 259, C replaced by T.
Protein change: p.Arg87Trp; replaces arginine 87 with tryptophan.
Molecular consequence: missense variant. On other transcripts: 5 prime UTR variant (2).
Genome position (GRCh38, 1-based): chr2:232,528,277, C>T. VCF-style: chr2-232528277-C-T. GRCh37 (hg19) VCF-style: chr2-233392987-C-T.
Other names: c.259C>T (NM_000751.1); c.214C>T, p.Arg72Trp (NM_001256657.2); c.-13C>T (NM_001311195.2, NM_001311196.2); short protein forms R72W, R87W.
Identifiers: ClinVar variation 1803670 (VCV001803670.7), dbSNP rs375883569, ClinGen allele CA2167975.